The following is an entry in ClinVar:

NM_000751.3(CHRND):c.1433C>T (p.Thr478Met)

Gene: CHRND (cholinergic receptor nicotinic delta subunit; plus strand). Cytogenetic location: 2q37.1.
Variant type: single nucleotide variant.
Coding change: c.1433C>T on transcript NM_000751.3 (MANE Select); coding-DNA position 1433, C replaced by T.
Protein change: p.Thr478Met; replaces threonine 478 with methionine.
Molecular consequence: missense variant.
Genome position (GRCh38, 1-based): chr2:232,535,191, C>T. VCF-style: chr2-232535191-C-T. GRCh37 (hg19) VCF-style: chr2-233399901-C-T.
Other names: c.1388C>T, p.Thr463Met (NM_001256657.2); c.851C>T, p.Thr284Met (NM_001311195.2); c.1130C>T, p.Thr377Met (NM_001311196.2); short protein forms T463M, T478M, T284M, T377M.
Identifiers: ClinVar variation 1960684 (VCV001960684.6), dbSNP rs142928493, ClinGen allele CA2168359.

ClinVar aggregate classification (germline): Uncertain significance. Review status: criteria provided, multiple submitters, no conflicts (2 of 4 stars). 2 submissions from 2 submitters: Uncertain significance (2). Last evaluated 2024-11-17.

Conditions:
Lethal multiple pterygium syndrome (LMPS). Identifiers: Orphanet 33108, MedGen C1854678, MONDO:0009668, OMIM 253290.

Allele frequency attached by ClinVar (database versions not stated): ExAC 0.00001; gnomAD 0.00002; gnomAD exomes 0.00005; TOPMed 0.00005; ESP Exome Variant Server 0.00008.
gnomAD v4.1: 78 of 1,614,094 alleles (0.0048%); highest among the groups gnomAD compares: Middle Eastern, 0.033%; no homozygotes.

Submissions (2):

Labcorp Genetics (formerly Invitae), Labcorp
Classification: Uncertain significance for Lethal multiple pterygium syndrome. Last evaluated: 2024-11-17. Review status: criteria provided, single submitter. Criteria: Invitae Variant Classification Sherloc (09022015). Collection method: clinical testing. Allele origin: germline.
Comment: This sequence change replaces threonine, which is neutral and polar, with methionine, which is neutral and non-polar, at codon 478 of the CHRND protein (p.Thr478Met). This variant is present in population databases (rs142928493, gnomAD 0.008%). This variant has not been reported in the literature in individuals affected with CHRND-related conditions. ClinVar contains an entry for this variant (Variation ID: 1960684). Invitae Evidence Modeling of protein sequence and biophysical properties (such as structural, functional, and spatial information, amino acid conservation, physicochemical variation, residue mobility, and thermodynamic stability) indicates that this missense variant is not expected to disrupt CHRND protein function with a negative predictive value of 95%. In summary, the available evidence is currently insufficient to determine the role of this variant in disease. Therefore, it has been classified as a Variant of Uncertain Significance.

Revvity Omics, Revvity
Classification: Uncertain significance. Last evaluated: 2023-09-13. Review status: criteria provided, single submitter. Criteria: ACMG Guidelines, 2015. Collection method: clinical testing. Allele origin: germline.